The following is an entry in ClinVar:

ClinVar aggregate classification (germline): Likely pathogenic. Review status: criteria provided, multiple submitters, no conflicts (2 of 4 stars). 4 submissions from 4 submitters: Likely pathogenic (4). Last evaluated 2025-08-03.

Conditions:
Familial hyperinsulinism. Also called: Congenital hyperinsulinism. Identifiers: Orphanet 276525, MedGen C3888018, MONDO:0017182. Disease mechanism: loss of function.
Type 2 diabetes mellitus. Also called: Type II diabetes mellitus. Identifiers: MedGen C0011860, MeSH D003924, MONDO:0005148, OMIM 125853, HP:0005978.

Submissions (4):

GeneDx
Classification: Likely pathogenic. Last evaluated: 2025-08-03. Review status: criteria provided, single submitter. Criteria: GeneDx Variant Classification Process June 2021. Collection method: clinical testing. Allele origin: germline. Affected: yes.
Comment: Canonical splice site variant predicted to result in an in-frame loss of the adjacent exon in a gene for which loss of function is a known mechanism of disease; Not observed at significant frequency in large population cohorts (gnomAD); Has not been previously published as pathogenic or benign to our knowledge

Women's Health and Genetics/Laboratory Corporation of America, LabCorp
Classification: Likely pathogenic for Familial hyperinsulinism. Last evaluated: 2024-07-16. Review status: criteria provided, single submitter. Criteria: LabCorp Variant Classification Summary - May 2015. Collection method: clinical testing. Allele origin: germline.
Comment: Variant summary: ABCC8 c.822+2T>C is located in a canonical splice-site and is predicted to affect mRNA splicing resulting in a significantly altered protein due to either exon skipping, shortening, or inclusion of intronic material. Several computational tools predict a significant impact on normal splicing: Two predict the variant abolishes a 5' splicing donor site. Two predict the variant creates a 5' donor site. However, these predictions have yet to be confirmed by functional studies. The variant was absent in 250846 control chromosomes. To our knowledge, no occurrence of c.822+2T>C in individuals affected with Familial Hyperinsulinism and no experimental evidence demonstrating its impact on protein function have been reported. ClinVar contains an entry for this variant (Variation ID: 1947486). Based on the evidence outlined above, the variant was classified as likely pathogenic.

Baylor Genetics
Classification: Likely pathogenic for Type 2 diabetes mellitus. Last evaluated: 2023-10-31. Review status: criteria provided, single submitter. Criteria: ACMG Guidelines, 2015. Collection method: clinical testing. Allele origin: unknown.

Labcorp Genetics (formerly Invitae), Labcorp
Classification: Likely pathogenic. Last evaluated: 2022-07-13. Review status: criteria provided, single submitter. Criteria: Invitae Variant Classification Sherloc (09022015). Collection method: clinical testing. Allele origin: germline.
Comment: This sequence change affects a donor splice site in intron 5 of the ABCC8 gene. It is expected to disrupt RNA splicing. Variants that disrupt the donor or acceptor splice site typically lead to a loss of protein function (PMID: 16199547), and loss-of-function variants in ABCC8 are known to be pathogenic (PMID: 20685672, 23345197). In summary, the currently available evidence indicates that the variant is pathogenic, but additional data are needed to prove that conclusively. Therefore, this variant has been classified as Likely Pathogenic. Algorithms developed to predict the effect of sequence changes on RNA splicing suggest that this variant may disrupt the consensus splice site. This variant has not been reported in the literature in individuals affected with ABCC8-related conditions. This variant is not present in population databases (gnomAD no frequency).

Literature cited by the submitters: PubMed 16199547 (cited by Labcorp Genetics (formerly Invitae), Labcorp); PubMed 20685672 (cited by Labcorp Genetics (formerly Invitae), Labcorp); PubMed 23345197 (cited by Labcorp Genetics (formerly Invitae), Labcorp).

NM_000352.6(ABCC8):c.822+2T>C

Gene: ABCC8 (ATP binding cassette subfamily C member 8; minus strand). Cytogenetic location: 11p15.1.
Variant type: single nucleotide variant.
Coding change: c.822+2T>C on transcript NM_000352.6 (MANE Select); the canonical splice donor site of the intron after coding-DNA position 822, T replaced by C.
Molecular consequence: splice donor variant. On other transcripts: intron variant (2).
Genome position (GRCh38, 1-based): chr11:17,461,581, A>G on the plus strand (T>C on the coding strand, the complement: ABCC8 is on the minus strand). VCF-style: chr11-17461581-A-G. GRCh37 (hg19) VCF-style: chr11-17483128-A-G.
Other names: c.819+5T>C (NM_001351297.2, NM_001351296.2); c.822+2T>C (NM_001351295.2, NM_001287174.3).
Identifiers: ClinVar variation 1947486 (VCV001947486.7), dbSNP rs2496851854, ClinGen allele CA379778024.